The following is an entry in ClinVar:

NM_014846.4(WASHC5):c.1424G>A (p.Trp475Ter)

Gene: WASHC5 (WASH complex subunit 5; minus strand). Cytogenetic location: 8q24.13.
Variant type: single nucleotide variant.
Coding change: c.1424G>A on transcript NM_014846.4 (MANE Select); coding-DNA position 1424, G replaced by A.
Protein change: p.Trp475Ter; replaces tryptophan 475 with a stop codon.
Molecular consequence: nonsense.
Genome position (GRCh38, 1-based): chr8:125,061,179, C>T on the plus strand (G>A on the coding strand, the complement: WASHC5 is on the minus strand). VCF-style: chr8-125061179-C-T. GRCh37 (hg19) VCF-style: chr8-126073421-C-T.
Other names: c.980G>A, p.Trp327Ter (NM_001330609.2); short protein forms W327*, W475*.
Identifiers: ClinVar variation 1014986 (VCV001014986.9), dbSNP rs1030054011, ClinGen allele CA185309113.

ClinVar aggregate classification (germline): Pathogenic. Review status: criteria provided, multiple submitters, no conflicts (2 of 4 stars). 2 submissions from 2 submitters: Pathogenic (2). Last evaluated 2026-06-12.

Conditions:
Hereditary spastic paraplegia 8 (SPG8). Also called: SPASTIC PARAPLEGIA 8, AUTOSOMAL DOMINANT. Identifiers: Orphanet 100989, MedGen C1863704, MONDO:0011339, OMIM 603563.
Ritscher-Schinzel syndrome. Also called: CRANIOCEREBELLOCARDIAC DYSPLASIA. Identifiers: Orphanet 7, MedGen C0796137, MONDO:0019078.
Ritscher-Schinzel syndrome 1 (RTSC1). Identifiers: Orphanet 7, MedGen C4551776, MONDO:0009073, OMIM 220210.

Allele frequency attached by ClinVar (database versions not stated): TOPMed below 0.00001.

Submissions (2):

Women's Health and Genetics/Laboratory Corporation of America, LabCorp
Classification: Pathogenic for Ritscher-Schinzel syndrome 1. Last evaluated: 2026-06-12. Review status: criteria provided, single submitter. Criteria: LabCorp Variant Classification Summary - May 2015. Collection method: clinical testing. Allele origin: germline.
Comment: Variant summary: WASHC5 c.1424G>A (p.Trp475X) results in a premature termination codon, predicted to cause a truncation of the encoded protein or absence of the protein due to nonsense mediated decay, which are commonly known mechanisms for disease. The variant was absent in 250502 control chromosomes. To our knowledge, no occurrence of c.1424G>A in individuals affected with WASHC5-related conditions and no experimental evidence demonstrating its impact on protein function have been reported. ClinVar contains an entry for this variant (Variation ID: 1014986). Based on the evidence outlined above, the variant was classified as pathogenic.

Labcorp Genetics (formerly Invitae), Labcorp
Classification: Pathogenic for Ritscher-Schinzel syndrome; Hereditary spastic paraplegia 8. Last evaluated: 2024-01-29. Review status: criteria provided, single submitter. Criteria: Invitae Variant Classification Sherloc (09022015). Collection method: clinical testing. Allele origin: germline.
Comment: This sequence change creates a premature translational stop signal (p.Trp475*) in the WASHC5 gene. It is expected to result in an absent or disrupted protein product. Loss-of-function variants in WASHC5 are known to be pathogenic (PMID: 24065355). This variant is not present in population databases (gnomAD no frequency). This variant has not been observed in the literature in individuals with autosomal recessive WASHC5-related conditions. This variant has been reported in individual(s) with clinical features of autosomal dominant hereditary spastic paraplegia (Invitae); however, the role of the variant in this condition is currently unclear. ClinVar contains an entry for this variant (Variation ID: 1014986). Algorithms developed to predict the effect of sequence changes on RNA splicing suggest that this variant may disrupt the consensus splice site. For these reasons, this variant has been classified as Pathogenic.

Literature cited by the submitters: PubMed 24065355 (cited by Labcorp Genetics (formerly Invitae), Labcorp).